The following is an entry in ClinVar:

NM_000393.5(COL5A2):c.3061C>A (p.Pro1021Thr)

Gene: COL5A2 (collagen type V alpha 2 chain; minus strand). Cytogenetic location: 2q32.2.
Variant type: single nucleotide variant.
Coding change: c.3061C>A on transcript NM_000393.5 (MANE Select); coding-DNA position 3061, C replaced by A.
Protein change: p.Pro1021Thr; replaces proline 1021 with threonine.
Molecular consequence: missense variant.
Genome position (GRCh38, 1-based): chr2:189,049,433, G>T on the plus strand (C>A on the coding strand, the complement: COL5A2 is on the minus strand). VCF-style: chr2-189049433-G-T. GRCh37 (hg19) VCF-style: chr2-189914159-G-T.
Other names: short protein forms P1021T.
Identifiers: ClinVar variation 1799377 (VCV001799377.31), dbSNP rs751955635, ClinGen allele CA2022119.

ClinVar aggregate classification (germline): Conflicting classifications of pathogenicity. Review status: criteria provided, conflicting classifications (1 of 4 stars). 3 submissions from 3 submitters: Uncertain significance (2); Benign (1). Last evaluated 2025-12-09.

Conditions:
Ehlers-Danlos syndrome, classic type, 1 (EDSCL1). Also called: Ehlers-Danlos syndrome, type 1; Ehlers-Danlos Syndrome, Classic Type, COL5A1-Related; EHLERS-DANLOS SYNDROME, GRAVIS TYPE; EHLERS-DANLOS SYNDROME, SEVERE CLASSIC TYPE; EDS I. Identifiers: MedGen C0268335, MONDO:0019567, OMIM 130000.
Familial thoracic aortic aneurysm and aortic dissection (TAAD). Also called: Thoracic aortic aneurysms and dissections. Identifiers: Orphanet 91387, MedGen C4707243, MONDO:0019625.

Allele frequency attached by ClinVar (database versions not stated): gnomAD 0.00001; gnomAD exomes 0.00001; TOPMed 0.00001; ExAC 0.00002.
gnomAD v4.1: 19 of 1,613,250 alleles (0.0012%); highest among the groups gnomAD compares: Non-Finnish European, 0.0015%; no homozygotes.

Submissions (3):

Ambry Genetics
Classification: Uncertain significance for Familial thoracic aortic aneurysm and aortic dissection. Last evaluated: 2025-12-09. Review status: criteria provided, single submitter. Criteria: Ambry Variant Classification Scheme 2023. Collection method: clinical testing. Allele origin: germline.
Comment: The p.P1021T variant (also known as c.3061C>A), located in coding exon 44 of the COL5A2 gene, results from a C to A substitution at nucleotide position 3061. The proline at codon 1021 is replaced by threonine, an amino acid with highly similar properties. This amino acid position is not well conserved in available vertebrate species, and threonineis the reference amino acid in other vertebrate species. In addition, this alteration is predicted to be tolerated by in silico analysis. Since supporting evidence is limited at this time, the clinical significance of this alteration remains unclear.

Labcorp Genetics (formerly Invitae), Labcorp
Classification: Benign for Ehlers-Danlos syndrome, classic type, 1. Last evaluated: 2025-11-25. Review status: criteria provided, single submitter. Criteria: Invitae Variant Classification Sherloc (09022015). Collection method: clinical testing. Allele origin: germline.

CeGaT Center for Human Genetics Tuebingen
Classification: Uncertain significance. Last evaluated: 2023-08-01. Review status: criteria provided, single submitter. Criteria: CeGaT Center For Human Genetics Tuebingen Variant Classification Criteria Version 2. Collection method: clinical testing. Allele origin: germline. Affected: yes. Observed: 1 variant allele.
Comment: COL5A2: PM2